The following is an entry in ClinVar:

ClinVar aggregate classification (germline): Uncertain significance (1 of 4 stars; one submission).

Conditions:
Brugada syndrome 8 (BRGDA8). Identifiers: Orphanet 130, MedGen C2751083, MONDO:0013148, OMIM 613123.

Submission:

Labcorp Genetics (formerly Invitae), Labcorp
Classification: Uncertain significance for Brugada syndrome 8. Last evaluated: 2020-09-24. Review status: criteria provided, single submitter. Criteria: Invitae Variant Classification Sherloc (09022015). Collection method: clinical testing. Allele origin: germline.
Comment: Advanced modeling of protein sequence and biophysical properties (such as structural, functional, and spatial information, amino acid conservation, physicochemical variation, residue mobility, and thermodynamic stability) performed at Invitae indicates that this missense variant is not expected to disrupt HCN4 protein function. This variant has not been reported in the literature in individuals with HCN4-related conditions. This variant is not present in population databases (ExAC no frequency). This sequence change replaces alanine with valine at codon 763 of the HCN4 protein (p.Ala763Val). The alanine residue is moderately conserved and there is a small physicochemical difference between alanine and valine. In summary, the available evidence is currently insufficient to determine the role of this variant in disease. Therefore, it has been classified as a Variant of Uncertain Significance.

NM_005477.3(HCN4):c.2288C>T (p.Ala763Val)

Gene: HCN4 (hyperpolarization activated cyclic nucleotide gated potassium channel 4; minus strand). Cytogenetic location: 15q24.1.
Variant type: single nucleotide variant.
Coding change: c.2288C>T on transcript NM_005477.3 (MANE Select); coding-DNA position 2288, C replaced by T.
Protein change: p.Ala763Val; replaces alanine 763 with valine.
Molecular consequence: missense variant.
Genome position (GRCh38, 1-based): chr15:73,323,805, G>A on the plus strand (C>T on the coding strand, the complement: HCN4 is on the minus strand). VCF-style: chr15-73323805-G-A. GRCh37 (hg19) VCF-style: chr15-73616146-G-A.
Other names: short protein forms A763V.
Identifiers: ClinVar variation 1063044 (VCV001063044.9), dbSNP rs375146815, ClinGen allele CA393089181.